The following is an entry in ClinVar:

ClinVar aggregate classification (germline): Uncertain significance (1 of 4 stars; one submission).

Submission:

Ambry Genetics
Classification: Uncertain significance. Last evaluated: 2026-01-16. Review status: criteria provided, single submitter. Criteria: Ambry Variant Classification Scheme 2023. Collection method: clinical testing. Allele origin: germline.
Comment: The p.S638R variant (also known as c.1914T>A), located in coding exon 8 of the RNF43 gene, results from a T to A substitution at nucleotide position 1914. The serine at codon 638 is replaced by arginine, an amino acid with dissimilar properties. This amino acid position is conserved. In addition, this alteration is predicted to be tolerated by in silico analysis. Based on the available evidence, the clinical significance of this variant remains unclear.

NM_017763.6(RNF43):c.1914T>A (p.Ser638Arg)

Gene: RNF43 (ring finger protein 43; minus strand). Cytogenetic location: 17q22.
Variant type: single nucleotide variant.
Coding change: c.1914T>A on transcript NM_017763.6 (MANE Select); coding-DNA position 1914, T replaced by A.
Protein change: p.Ser638Arg; replaces serine 638 with arginine.
Molecular consequence: missense variant.
Genome position (GRCh38, 1-based): chr17:58,357,862, A>T on the plus strand (T>A on the coding strand, the complement: RNF43 is on the minus strand). VCF-style: chr17-58357862-A-T. GRCh37 (hg19) VCF-style: chr17-56435223-A-T.
Other names: c.1914T>A, p.Ser638Arg (NM_001305544.3, NM_001438820.1, NM_001438821.1 and 1 more transcripts); c.1533T>A, p.Ser511Arg (NM_001305545.2, NM_001437987.1); short protein forms S638R, S511R.
Identifiers: ClinVar variation 4844760 (VCV004844760.1).
Genomic context (GRCh38, chr17:58,357,862, plus strand): 5'-CCCCCGCCTTTTCCTCTGTGGGTGTCGGGCAGAGAGGCTGGATTTTTGCAAGTTGAACAG[A>T]CTGCTGGTACTGGGGCAGATGCTGGAGGCGTCAACTGGGCCAGGGGCTGGCTCAGGGAGG-3'
Protein context (NP_060233.3, residues 628-648): DASSICPSTS[Ser638Arg]LFNLQKSSLS